The following is an entry in ClinVar:

NM_000180.4(GUCY2D):c.1805G>A (p.Arg602Gln)

Gene: GUCY2D (guanylate cyclase 2D, retinal; plus strand). Cytogenetic location: 17p13.1.
Variant type: single nucleotide variant.
Coding change: c.1805G>A on transcript NM_000180.4 (MANE Select); coding-DNA position 1805, G replaced by A.
Protein change: p.Arg602Gln; replaces arginine 602 with glutamine.
Molecular consequence: missense variant.
Genome position (GRCh38, 1-based): chr17:8,012,199, G>A. VCF-style: chr17-8012199-G-A. GRCh37 (hg19) VCF-style: chr17-7915517-G-A.
Other names: c.1805G>A (NM_000180.3); short protein forms R602Q.
Identifiers: ClinVar variation 1428951 (VCV001428951.10), dbSNP rs747173302, ClinGen allele CA8365905.

ClinVar aggregate classification (germline): Uncertain significance. Review status: criteria provided, multiple submitters, no conflicts (2 of 4 stars). 3 submissions from 3 submitters: Uncertain significance (3). Last evaluated 2026-05-16.

Conditions:
Leber congenital amaurosis 1 (LCA1). Also called: AMAUROSIS CONGENITA OF LEBER I; RETINAL BLINDNESS, CONGENITAL; Congenital absence of the rods and cones; Leber's congenital tapetoretinal degeneration; Leber's congenital tapetoretinal dysplasia. Identifiers: Orphanet 65, MedGen C2931258, MONDO:0008764, OMIM 204000.
Cone-rod dystrophy 6 (CORD6). Also called: RETINAL CONE DYSTROPHY 2; Cone dystrophy progressive. Identifiers: Orphanet 1872, MedGen C1866293, MONDO:0011143, OMIM 601777.
GUCY2D-related disorder. Also called: GUCY2D-related condition.
Inborn genetic diseases. Identifiers: MedGen C0950123, MeSH D030342.

Allele frequency attached by ClinVar (database versions not stated): ExAC 0.00003; gnomAD exomes 0.00004.
gnomAD v4.1: 61 of 1,613,974 alleles (0.0038%); highest among the groups gnomAD compares: African/African-American, 0.008%; no homozygotes.

Submissions (3):

PreventionGenetics, part of Exact Sciences
Classification: Uncertain significance for GUCY2D-related condition. Last evaluated: 2026-05-16. Review status: criteria provided, single submitter. Criteria: ACMG Guidelines, 2015. Collection method: clinical testing. Allele origin: germline.
Comment: The GUCY2D c.1805G>A variant is predicted to result in the amino acid substitution p.Arg602Gln. To our knowledge, this variant has not been reported in the literature. This variant is reported in 0.0062% of alleles in individuals of African descent in gnomAD. At this time, the clinical significance of this variant is uncertain due to the absence of conclusive functional and genetic evidence.

Labcorp Genetics (formerly Invitae), Labcorp
Classification: Uncertain significance for Leber congenital amaurosis 1; Cone-rod dystrophy 6. Last evaluated: 2025-07-23. Review status: criteria provided, single submitter. Criteria: Invitae Variant Classification Sherloc (09022015). Collection method: clinical testing. Allele origin: germline.
Comment: This sequence change replaces arginine, which is basic and polar, with glutamine, which is neutral and polar, at codon 602 of the GUCY2D protein (p.Arg602Gln). This variant is present in population databases (rs747173302, gnomAD 0.006%). This missense change has been observed in individual(s) with clinical features of GUCY2D-related conditions (internal data). ClinVar contains an entry for this variant (Variation ID: 1428951). Invitae Evidence Modeling of protein sequence and biophysical properties (such as structural, functional, and spatial information, amino acid conservation, physicochemical variation, residue mobility, and thermodynamic stability) indicates that this missense variant is not expected to disrupt GUCY2D protein function with a negative predictive value of 80%. In summary, the available evidence is currently insufficient to determine the role of this variant in disease. Therefore, it has been classified as a Variant of Uncertain Significance.

Ambry Genetics
Classification: Uncertain significance for Inborn genetic diseases. Last evaluated: 2021-08-10. Review status: criteria provided, single submitter. Criteria: Ambry Variant Classification Scheme 2023. Collection method: clinical testing. Allele origin: germline.